The following is an entry in ClinVar:

NM_000278.5(PAX2):c.221_226dup (p.Glu74_Thr75dup)

Gene: PAX2 (paired box 2; plus strand). Cytogenetic location: 10q24.31.
Variant type: Duplication.
Coding change: c.221_226dup on transcript NM_000278.5 (MANE Select); coding-DNA positions 221 to 226, 6 bases duplicated (AGACCG; older notation c.221_226dupAGACCG).
Protein change: p.Glu74_Thr75dup.
Molecular consequence: inframe insertion.
Genome position (GRCh38, 1-based): chr10:100,750,702-100,750,707, AGACCG duplicated; duplicating any 6 consecutive bases within chr10:100,750,700-100,750,707 gives the same sequence; the c. name uses the placement nearest the transcript's 3' end. VCF-style (leftmost placement, unchanged base first): chr10-100750699-A-ACGAGAC. GRCh37 (hg19) VCF-style: chr10-102510456-A-ACGAGAC.
Other names: c.221_226dup (NM_003990.3); c.314_319dup, p.Glu105_Thr106dup (NM_001304569.2); c.221_226dup, p.Glu74_Thr75dup (NM_003987.5, NM_003988.5, NM_003989.5 and 1 more transcripts).
Identifiers: ClinVar variation 13800 (VCV000013800.12), dbSNP rs387906530, ClinGen allele CA256968.

ClinVar aggregate classification (germline): Pathogenic/Likely pathogenic. Review status: criteria provided, multiple submitters, no conflicts (2 of 4 stars). 7 submissions from 7 submitters: Pathogenic (4); Likely pathogenic (2). 1 of the submissions does not count toward it. Last evaluated 2025-06-23.

Conditions:
Focal segmental glomerulosclerosis 7 (FSGS7). Identifiers: Orphanet 656, MedGen C4014925, MONDO:0014451, OMIM 616002.
Renal coloboma syndrome (PAPRS). Also called: PAPILLORENAL SYNDROME WITH MILD OCULAR ABNORMALITIES; CONGENITAL ANOMALIES OF THE KIDNEY AND URINARY TRACT WITH OR WITHOUT OCULAR ABNORMALITIES; CAKUT WITH OR WITHOUT OCULAR ABNORMALITIES; COLOBOMA OF OPTIC NERVE WITH RENAL DISEASE; OPTIC COLOBOMA, VESICOURETERAL REFLUX, AND RENAL ANOMALIES; OPTIC NERVE COLOBOMA WITH RENAL DISEASE. Identifiers: Orphanet 1475, MedGen C1852759, MONDO:0007352, OMIM 120330.

Submissions (7):

Labcorp Genetics (formerly Invitae), Labcorp
Classification: Pathogenic for Renal coloboma syndrome; Focal segmental glomerulosclerosis 7. Last evaluated: 2025-06-23. Review status: criteria provided, single submitter. Criteria: Invitae Variant Classification Sherloc (09022015). Collection method: clinical testing. Allele origin: germline.
Comment: This variant, c.221_226dup, results in the insertion of 2 amino acid(s) of the PAX2 protein (p.Glu74_Thr75dup), but otherwise preserves the integrity of the reading frame. This variant is not present in population databases (gnomAD no frequency). This variant has been observed in individual(s) with clinical features of papillorenal syndrome (PMID: 9760197, 35444690). In at least one individual the variant was observed to be de novo. This variant is also known as c.218_219insCGAGAC (p.Tyr73delinsTyrGluThr) and c.220insGAGACC (p.74dupET). ClinVar contains an entry for this variant (Variation ID: 13800). Algorithms developed to predict the effect of variants on gene product structure and function are not available or were not evaluated for this variant. Experimental studies have shown that this variant affects PAX2 function (PMID: 20221250). For these reasons, this variant has been classified as Pathogenic.

GeneDx
Classification: Pathogenic. Last evaluated: 2025-03-04. Review status: criteria provided, single submitter. Criteria: GeneDx Variant Classification Process June 2021. Collection method: clinical testing. Allele origin: germline. Affected: yes.
Comment: In-frame duplication of 2 amino acids in a non-repeat region; Not observed at significant frequency in large population cohorts (gnomAD); This variant is associated with the following publications: (PMID: 35444690, 34696790, 20221250, 9760197, 36938085, 29054766)

Fulgent Genetics
Classification: Pathogenic for Renal coloboma syndrome; Focal segmental glomerulosclerosis 7. Last evaluated: 2024-06-13. Review status: criteria provided, single submitter. Criteria: ACMG Guidelines, 2015. Collection method: clinical testing. Allele origin: germline.

MVZ Medizinische Genetik Mainz
Classification: Pathogenic for Renal coloboma syndrome. Last evaluated: 2023-09-15. Review status: criteria provided, single submitter. Criteria: UK Practice Guidelines For Variant Classification V4 01 2020. Collection method: clinical testing. Allele origin: germline. Inheritance: Autosomal dominant inheritance. Affected: yes. Observed: 1 variant allele.
Comment: ACMG Criteria: PS4,PM4,PM6,PS3_SUP,PM2_SUP

Molecular Diagnostics Laboratory, M Health Fairview: University of Minnesota
Classification: Likely pathogenic for Renal coloboma syndrome. Last evaluated: 2016-08-24. Review status: criteria provided, single submitter. Criteria: ACMG Guidelines, 2015. Collection method: clinical testing. Allele origin: germline. Affected: yes. Observed: 1 variant allele.

Precision Medicine Center, Zhengzhou University
Classification: Likely pathogenic for Renal coloboma syndrome. Review status: criteria provided, single submitter. Criteria: ACMG Guidelines, 2015. Collection method: research. Allele origin: germline. Affected: yes.
Comment: PM1:Located in a mutational hot spot PM2:not found in gnomAD PM4:Protein length changes as a result of in-frame deletions PP3:Multiple lines of computational evidence support a deleterious effect on the gene or gene product

OMIM
Classification: Pathogenic for PAPILLORENAL SYNDROME. Last evaluated: 2012-03-01. Review status: no assertion criteria provided. Collection method: literature only. Allele origin: germline. Not counted in ClinVar's aggregate classification.

Literature cited by the submitters: PubMed 9760197 (cited by 3 submitters); PubMed 35444690 (cited by Labcorp Genetics (formerly Invitae), Labcorp); PubMed 20221250 (cited by Labcorp Genetics (formerly Invitae), Labcorp); PubMed 22213154 (cited by Molecular Diagnostics Laboratory, M Health Fairview: University of Minnesota and OMIM).